The following is an entry in ClinVar:

NM_198123.2(CSMD3):c.2989A>G (p.Lys997Glu)

Gene: CSMD3 (CUB and Sushi multiple domains 3; minus strand). Cytogenetic location: 8q23.3.
Variant type: single nucleotide variant.
Coding change: c.2989A>G on transcript NM_198123.2 (MANE Select); coding-DNA position 2989, A replaced by G.
Protein change: p.Lys997Glu; replaces lysine 997 with glutamic acid.
Molecular consequence: missense variant.
Genome position (GRCh38, 1-based): chr8:112,656,169, T>C on the plus strand (A>G on the coding strand, the complement: CSMD3 is on the minus strand). VCF-style: chr8-112656169-T-C. GRCh37 (hg19) VCF-style: chr8-113668398-T-C.
Other names: c.2599A>G, p.Lys867Glu (NM_001363185.1); c.2677A>G, p.Lys893Glu (NM_052900.3); c.2869A>G, p.Lys957Glu (NM_198124.2); short protein forms K893E, K957E, K997E, K867E.
Identifiers: ClinVar variation 4981665 (VCV004981665.1).

ClinVar aggregate classification (germline): Likely benign (1 of 4 stars; one submission).

Conditions:
CSMD3-related disorder. Also called: CSMD3-related condition.

gnomAD v4.1: 535 of 1,553,272 alleles (0.034%); highest among the groups gnomAD compares: Admixed American, 0.34%; 4 homozygotes.

Submission:

PreventionGenetics, part of Exact Sciences
Classification: Likely benign for CSMD3-related condition. Last evaluated: 2026-02-24. Review status: criteria provided, single submitter. Criteria: ACMG Guidelines, 2015. Collection method: clinical testing. Allele origin: germline.
Comment: This variant is classified as likely benign based on ACMG/AMP sequence variant interpretation guidelines (Richards et al. 2015 PMID: 25741868, with internal and published modifications).